The following is an entry in ClinVar:

ClinVar aggregate classification (germline): Uncertain significance (1 of 4 stars; one submission).

Conditions:
Juvenile polyposis syndrome (JPS). Identifiers: Orphanet 2929, MedGen C0345893, MONDO:0017380, OMIM 174900.

Allele frequency attached by ClinVar (database versions not stated): gnomAD exomes below 0.00001.
gnomAD v4.1: 1 of 1,614,202 alleles (0.000062%); highest among the groups gnomAD compares: Non-Finnish European, 0.000085%; no homozygotes.

Submission:

Labcorp Genetics (formerly Invitae), Labcorp
Classification: Uncertain significance for Juvenile polyposis syndrome. Last evaluated: 2020-02-14. Review status: criteria provided, single submitter. Criteria: Invitae Variant Classification Sherloc (09022015). Collection method: clinical testing. Allele origin: germline.
Comment: This sequence change replaces lysine with asparagine at codon 498 of the BMPR1A protein (p.Lys498Asn). The lysine residue is highly conserved and there is a moderate physicochemical difference between lysine and asparagine. This variant is not present in population databases (ExAC no frequency). This variant has not been reported in the literature in individuals with BMPR1A-related conditions. Algorithms developed to predict the effect of missense changes on protein structure and function are either unavailable or do not agree on the potential impact of this missense change (SIFT: "Deleterious"; PolyPhen-2: "Probably Damaging"; Align-GVGD: "Class C0"). In summary, the available evidence is currently insufficient to determine the role of this variant in disease. Therefore, it has been classified as a Variant of Uncertain Significance.

NM_004329.3(BMPR1A):c.1494G>C (p.Lys498Asn)

Gene: BMPR1A (bone morphogenetic protein receptor type 1A; plus strand). Cytogenetic location: 10q23.2.
Variant type: single nucleotide variant.
Coding change: c.1494G>C on transcript NM_004329.3 (MANE Select); coding-DNA position 1494, G replaced by C.
Protein change: p.Lys498Asn; replaces lysine 498 with asparagine.
Molecular consequence: missense variant.
Genome position (GRCh38, 1-based): chr10:86,923,614, G>C. VCF-style: chr10-86923614-G-C. GRCh37 (hg19) VCF-style: chr10-88683371-G-C.
Other names: short protein forms K498N.
Identifiers: ClinVar variation 1019373 (VCV001019373.10), dbSNP rs1843699220, ClinGen allele CA377463725.